The following is an entry in ClinVar:

NM_000081.4(LYST):c.8401A>T (p.Asn2801Tyr)

Gene: LYST (lysosomal trafficking regulator; minus strand). Cytogenetic location: 1q42.3.
Variant type: single nucleotide variant.
Coding change: c.8401A>T on transcript NM_000081.4 (MANE Select); coding-DNA position 8401, A replaced by T.
Protein change: p.Asn2801Tyr; replaces asparagine 2801 with tyrosine.
Molecular consequence: missense variant.
Genome position (GRCh38, 1-based): chr1:235,734,617, T>A on the plus strand (A>T on the coding strand, the complement: LYST is on the minus strand). VCF-style: chr1-235734617-T-A. GRCh37 (hg19) VCF-style: chr1-235897917-T-A.
Other names: c.8401A>T, p.Asn2801Tyr (NM_001301365.1); short protein forms N2801Y.
Identifiers: ClinVar variation 1717504 (VCV001717504.5), dbSNP rs2527560161, ClinGen allele CA344921138.
Genomic context (GRCh38, chr1:235,734,617, plus strand): 5'-AAGCATTCATAAGCAGTTCTGCTGTGCCTAGCTCTTCTTCAGTCAATTCACCTTGGTGAT[T>A]ATGTATCAACTCTGACAAATACAAAACTAACTTGGCTCCATGCTTTAAAAAAAGTAATAA-3'
Protein context (NP_000072.2, residues 2791-2811): LVLYLSELIH[Asn2801Tyr]HQGELTEEEL

ClinVar aggregate classification (germline): Uncertain significance (1 of 4 stars; one submission).

Conditions:
Chédiak-Higashi syndrome (CHS). Also called: Chediak-Higashi Syndrome. Identifiers: Orphanet 167, MedGen C0007965, MONDO:0008963, OMIM 214500.

Submission:

Labcorp Genetics (formerly Invitae), Labcorp
Classification: Uncertain significance for Chédiak-Higashi syndrome. Last evaluated: 2024-02-24. Review status: criteria provided, single submitter. Criteria: Invitae Variant Classification Sherloc (09022015). Collection method: clinical testing. Allele origin: germline.
Comment: This sequence change replaces asparagine, which is neutral and polar, with tyrosine, which is neutral and polar, at codon 2801 of the LYST protein (p.Asn2801Tyr). This variant is not present in population databases (gnomAD no frequency). This variant has not been reported in the literature in individuals affected with LYST-related conditions. ClinVar contains an entry for this variant (Variation ID: 1717504). Advanced modeling of protein sequence and biophysical properties (such as structural, functional, and spatial information, amino acid conservation, physicochemical variation, residue mobility, and thermodynamic stability) performed at Invitae indicates that this missense variant is not expected to disrupt LYST protein function with a negative predictive value of 80%. In summary, the available evidence is currently insufficient to determine the role of this variant in disease. Therefore, it has been classified as a Variant of Uncertain Significance.